The following is an entry in ClinVar:

NM_000257.4(MYH7):c.2734A>G (p.Lys912Glu)

Gene: MYH7 (myosin heavy chain 7; minus strand). Cytogenetic location: 14q11.2.
Variant type: single nucleotide variant.
Coding change: c.2734A>G on transcript NM_000257.4 (MANE Select); coding-DNA position 2734, A replaced by G.
Protein change: p.Lys912Glu; replaces lysine 912 with glutamic acid.
Molecular consequence: missense variant.
Genome position (GRCh38, 1-based): chr14:23,424,095, T>C on the plus strand (A>G on the coding strand, the complement: MYH7 is on the minus strand). VCF-style: chr14-23424095-T-C. GRCh37 (hg19) VCF-style: chr14-23893304-T-C.
Other names: c.2734A>G (LRG_384t1); short protein forms K912E.
Identifiers: ClinVar variation 520267 (VCV000520267.12), dbSNP rs730880758, ClinGen allele CA389047231.
Genomic context (GRCh38, chr14:23,424,095, plus strand): 5'-TCTCCTCCTCATCCTCCAGCCTCTCGTTCATCTCCTTCACCTTGGCCTCCAGCTGAATCT[T>C]GTTTTTGATCAGCTGATCACAGCGCTCCTCAGCATCTGCCAGGTTGTCTTGTTCCTGAAG-3'
Protein context (NP_000248.2, residues 902-922): EERCDQLIKN[Lys912Glu]IQLEAKVKEM

ClinVar aggregate classification (germline): Uncertain significance. Review status: criteria provided, multiple submitters, no conflicts (2 of 4 stars). 2 submissions from 2 submitters: Uncertain significance (2). Last evaluated 2021-05-04.

Conditions:
Hypertrophic cardiomyopathy. Also called: HYPERTROPHIC MYOCARDIOPATHY. Identifiers: Orphanet 217569, MedGen C0007194, MeSH D002312, MONDO:0005045, HP:0001639.
Cardiovascular phenotype. Identifiers: MedGen CN230736.

Submissions (2):

Labcorp Genetics (formerly Invitae), Labcorp
Classification: Uncertain significance for Hypertrophic cardiomyopathy. Last evaluated: 2021-05-04. Review status: criteria provided, single submitter. Criteria: Invitae Variant Classification Sherloc (09022015). Collection method: clinical testing. Allele origin: germline.
Comment: This variant is found within a region of MYH7 between codons 181 and 937 that contains the majority of the myosin head domain. Missense variants in this region have been shown to be significantly overrepresented in individuals with hypertrophic cardiomyopathy (PMID: 27532257). In summary, the available evidence is currently insufficient to determine the role of this variant in disease. Therefore, it has been classified as a Variant of Uncertain Significance. Algorithms developed to predict the effect of missense changes on protein structure and function (SIFT, PolyPhen-2, Align-GVGD) all suggest that this variant is likely to be disruptive, but these predictions have not been confirmed by published functional studies and their clinical significance is uncertain. This sequence change replaces lysine with glutamic acid at codon 912 of the MYH7 protein (p.Lys912Glu). The lysine residue is highly conserved and there is a small physicochemical difference between lysine and glutamic acid. This variant is not present in population databases (ExAC no frequency). This variant has not been reported in the literature in individuals with MYH7-related conditions. ClinVar contains an entry for this variant (Variation ID: 520267).

Ambry Genetics
Classification: Uncertain significance for Cardiovascular phenotype. Last evaluated: 2016-02-22. Review status: criteria provided, single submitter. Criteria: Ambry Variant Classification Scheme 2023. Collection method: clinical testing. Allele origin: germline.
Comment: The p.K912E variant (also known as c.2734A>G), located in coding exon 21 of the MYH7 gene, results from an A to G substitution at nucleotide position 2734. The lysine at codon 912 is replaced by glutamic acid, an amino acid with some similar properties. This variant was not reported in population based cohorts in the following databases: Database of Single Nucleotide Polymorphisms (dbSNP), NHLBI Exome Sequencing Project (ESP), and 1000 Genomes Project. In the ESP, this variant was not observed in 6503 samples (13006 alleles) with coverage at this position. This amino acid position is highly conserved in available vertebrate species. In addition, this alteration is predicted to be deleterious by in silico analysis. Since supporting evidence is limited at this time, the clinical significance of this variant remains unclear.

Literature cited by the submitters: PubMed 27532257 (cited by Labcorp Genetics (formerly Invitae), Labcorp).